The following is an entry in ClinVar:

ClinVar aggregate classification (germline): Uncertain significance (1 of 4 stars; one submission).

Conditions:
Charcot-Marie-Tooth disease axonal type 2O. Also called: Charcot-Marie-Tooth disease, axonal, type 20; CHARCOT-MARIE-TOOTH NEUROPATHY, AXONAL, TYPE 2O; CHARCOT-MARIE-TOOTH DISEASE, AXONAL, AUTOSOMAL DOMINANT, TYPE 2O; Charcot-Marie-Tooth Neuropathy Type 2O. Identifiers: Orphanet 284232, MedGen C3280220, MONDO:0013644, OMIM 614228.

Submission:

Labcorp Genetics (formerly Invitae), Labcorp
Classification: Uncertain significance for Charcot-Marie-Tooth disease axonal type 2O. Last evaluated: 2023-10-17. Review status: criteria provided, single submitter. Criteria: Invitae Variant Classification Sherloc (09022015). Collection method: clinical testing. Allele origin: germline.
Comment: This sequence change replaces methionine, which is neutral and non-polar, with leucine, which is neutral and non-polar, at codon 413 of the DYNC1H1 protein (p.Met413Leu). This variant is not present in population databases (gnomAD no frequency). This variant has not been reported in the literature in individuals affected with DYNC1H1-related conditions. Advanced modeling of protein sequence and biophysical properties (such as structural, functional, and spatial information, amino acid conservation, physicochemical variation, residue mobility, and thermodynamic stability) performed at Invitae indicates that this missense variant is not expected to disrupt DYNC1H1 protein function. In summary, the available evidence is currently insufficient to determine the role of this variant in disease. Therefore, it has been classified as a Variant of Uncertain Significance.

NM_001376.5(DYNC1H1):c.1237A>T (p.Met413Leu)

Gene: DYNC1H1 (dynein cytoplasmic 1 heavy chain 1; plus strand). Cytogenetic location: 14q32.31.
Variant type: single nucleotide variant.
Coding change: c.1237A>T on transcript NM_001376.5 (MANE Select); coding-DNA position 1237, A replaced by T.
Protein change: p.Met413Leu; replaces methionine 413 with leucine.
Molecular consequence: missense variant.
Genome position (GRCh38, 1-based): chr14:101,983,385, A>T. VCF-style: chr14-101983385-A-T. GRCh37 (hg19) VCF-style: chr14-102449722-A-T.
Other names: short protein forms M413L.
Identifiers: ClinVar variation 2767111 (VCV002767111.3), dbSNP rs2503686338, ClinGen allele CA391014563.